The following is an entry in ClinVar:

NM_000053.4(ATP7B):c.1285+5G>T

Gene: ATP7B (ATPase copper transporting beta; minus strand). Cytogenetic location: 13q14.3.
Variant type: single nucleotide variant.
Coding change: c.1285+5G>T on transcript NM_000053.4 (MANE Select); 5 bases into the intron after coding-DNA position 1285, G replaced by T.
Molecular consequence: intron variant.
Genome position (GRCh38, 1-based): chr13:51,973,930, C>A on the plus strand (G>T on the coding strand, the complement: ATP7B is on the minus strand). VCF-style: chr13-51973930-C-A. GRCh37 (hg19) VCF-style: chr13-52548066-C-A.
Other names: c.952+5G>T (NM_001243182.2); c.1285+5G>T (NM_001005918.3, NM_001330579.2, NM_001330578.2).
Identifiers: ClinVar variation 520762 (VCV000520762.88), dbSNP rs370579582, ClinGen allele CA6989401.

ClinVar aggregate classification (germline): Conflicting classifications of pathogenicity. Review status: criteria provided, conflicting classifications (1 of 4 stars). 24 submissions from 24 submitters: Pathogenic (8); Likely pathogenic (15); Uncertain significance (1). Last evaluated 2026-03-23.

Conditions:
Inborn genetic diseases. Identifiers: MedGen C0950123, MeSH D030342.
Wilson disease (WND). Also called: Wilson's disease. Identifiers: Orphanet 905, MedGen C0019202, MONDO:0010200, OMIM 277900. Disease mechanism: loss of function.
ATP7B-related disorder. Also called: ATP7B-related condition.

Allele frequency attached by ClinVar (database versions not stated): ExAC 0.00004; gnomAD 0.00005; TOPMed 0.00006; ESP Exome Variant Server 0.00008.
gnomAD v4.1: 131 of 1,614,124 alleles (0.0081%); highest among the groups gnomAD compares: Middle Eastern, 0.18%; no homozygotes.

Submissions 1 to 10 of 25:

PreventionGenetics, part of Exact Sciences
Classification: Likely pathogenic for ATP7B-related condition. Last evaluated: 2026-03-23. Review status: criteria provided, single submitter. Criteria: ACMG Guidelines, 2015. Collection method: clinical testing. Allele origin: germline.
Comment: The ATP7B c.1285+5G>T variant is predicted to interfere with splicing. This variant is alternatively referred to as IVS2+5G>T in the literature. It has been reported along with a second pathogenic ATP7B variant in two individuals with Wilson Disease, one of which also presented with anetoderma (Ivanova et al. 2015. PubMed ID: 25617204; Paradisi et al. 2015. PubMed ID: 25497208). It has also been observed in other individuals with Wilson Disease; however, it was unclear whether a second causative variant was identified (Loudianos et al.1998. PubMed ID: 9671269; Table S1, Nayagam et al. 2023. PubMed ID: 36096368). Internally, we have observed this variant in the heterozygous state along with a second pathogenic variant in at least two affected individuals (Internal Data, PreventionGenetics). This variant is predicted to alter splicing based on available splicing prediction programs (SpliceAI, Jaganathan et al. 2019. PubMed ID: 30661751); however, the use of computer prediction programs is not equivalent to functional evidence. This variant is reported in 0.0085% of alleles in individuals of Latino descent in gnomAD. Taken together, we interpret this variant as likely pathogenic.

GeneDx
Classification: Likely pathogenic. Last evaluated: 2026-03-04. Review status: criteria provided, single submitter. Criteria: GeneDx Variant Classification Process June 2021. Collection method: clinical testing. Allele origin: germline. Affected: yes.
Comment: Not observed at significant frequency in large population cohorts (gnomAD); In silico analysis supports a deleterious effect on splicing; This variant is associated with the following publications: (PMID: 10502776, 18728530, 34426522, 25497208, 25617204, 9671269, 17576681, 9536098, 25525159, 37937776, 36096368, Bakr2024[paper])

OLLIN Analises Genomicas, OLLIN
Classification: Pathogenic for Wilson disease. Last evaluated: 2026-02-13. Review status: criteria provided, single submitter. Criteria: ACMG Guidelines 2015 PMID 25741868. Collection method: clinical testing. Allele origin: germline. Observed: 1 variant allele.
Comment: PM2_P, PM3_VS, PP3

Natera, Inc.
Classification: Likely pathogenic for Wilson disease. Last evaluated: 2026-01-20. Review status: criteria provided, single submitter. Criteria: Natera Variant Classification Schema (03/2026). Collection method: clinical testing. Allele origin: germline.
Comment: The c.1285+5G>T variant in ATP7B is an intronic variant located outside the canonical splice sites. This variant is rare in the general population with a frequency below the threshold expected for the associated phenotype(s). This variant has been observed in one or more individuals affected with the associated recessive disease, as either homozygous or compound heterozygous with a second variant (PMID: 25497208, 25617204). Computational prediction algorithms indicate this variant is likely to affect gene or protein function. Given the available evidence, this variant is classified as Likely Pathogenic.

Labcorp Genetics (formerly Invitae), Labcorp
Classification: Likely pathogenic for Wilson disease. Last evaluated: 2026-01-13. Review status: criteria provided, single submitter. Criteria: Invitae Variant Classification Sherloc (09022015). Collection method: clinical testing. Allele origin: germline.
Comment: This sequence change falls in intron 2 of the ATP7B gene. It does not directly change the encoded amino acid sequence of the ATP7B protein. It affects a nucleotide within the consensus splice site. This variant is present in population databases (rs370579582, gnomAD 0.009%). This variant has been observed in individual(s) with clinical features of Wilson disease (PMID: 9671269, 25497208, 25617204, 36096368, 37937776). This variant is also known as IVS2+5G-T. ClinVar contains an entry for this variant (Variation ID: 520762). Variants that disrupt the consensus splice site are a relatively common cause of aberrant splicing (PMID: 17576681, 9536098). Algorithms developed to predict the effect of sequence changes on RNA splicing suggest that this variant may disrupt the consensus splice site. In summary, the currently available evidence indicates that the variant is pathogenic, but additional data are needed to prove that conclusively. Therefore, this variant has been classified as Likely Pathogenic.

Dasa
Classification: Pathogenic. Last evaluated: 2025-12-29. Review status: criteria provided, single submitter. Criteria: DASA Assertion Criteria. Collection method: clinical testing. Allele origin: germline.
Comment: NM_000053.4(ATP7B):c.1285+5G>T is a splice-region variant predicted to affect normal RNA splicing. This variant has been recurrently observed in individuals with ATP7B-related disorders (PMID: 25497208; PMID: 9671269; PMID: 10502776; PMID: 18728530; PMID: 25617204). Also, this variant is rare in population databases. Computational evidence supports a deleterious effect. Based on the currently available evidence, this variant is classified as pathogenic.

Department of Molecular Genetics, Istishari Arab Hospital
Classification: Pathogenic for Wilson disease. Last evaluated: 2025-07-10. Review status: criteria provided, single submitter. Criteria: ACMG Guidelines, 2015. Collection method: clinical testing. Allele origin: inherited. Inheritance: Autosomal recessive inheritance. Affected: yes.
Comment: The ATP7B variant c.1285+5G>T is predicted to disrupt the splicing site. This variant was previously detected in patients with Wilson disease (PMID: 34620762, 25617204, and many others). Clinvar lists this variant (Interpretation: Pathogenic / Likely Pathogenic)It is classified as pathogenic (class 1) according to the recommendations of ACMG/AMP/ClinGen SVI guidelines

Color Diagnostics, LLC DBA Color Health
Classification: Likely pathogenic for Wilson disease. Last evaluated: 2025-06-30. Review status: criteria provided, single submitter. Criteria: ACMG Guidelines, 2015. Collection method: clinical testing. Allele origin: germline.
Comment: This variant causes a G to T nucleotide substitution at the +5 position of intron 2 of the ATP7B gene. Splice site prediction tools predict that this variant may have a significant impact on RNA splicing. To our knowledge, RNA studies have not been reported for this variant. This variant has been observed in several individuals affected with autosomal recessive Wilson disease, including two individuals who were confirmed to carry this variant in the compound heterozygous state with a known pathogenic variant in the same gene (PMID: 9671269, 25497208, 25617204, 36096368DOI: 10.12996/gmj.2023.3795). This variant has been identified in 16/280466 chromosomes in the general population by the Genome Aggregation Database (gnomAD). Based on the available evidence, this variant is classified as Likely Pathogenic.

Women's Health and Genetics/Laboratory Corporation of America, LabCorp
Classification: Likely pathogenic for Wilson disease. Last evaluated: 2025-05-16. Review status: criteria provided, single submitter. Criteria: LabCorp Variant Classification Summary - May 2015. Collection method: clinical testing. Allele origin: germline.
Comment: Variant summary: ATP7B c.1285+5G>T alters a conserved nucleotide located close to a canonical splice site and therefore could affect mRNA splicing, leading to a significantly altered protein sequence. Several computational tools predict a significant impact on normal splicing: Three predict the variant abolishes a canonical 5' splicing donor site. One predict the variant weakens a canonical 5' donor site. However, these predictions have yet to be confirmed by functional studies. The variant allele was found at a frequency of 5.6e-05 in 249066 control chromosomes. This frequency is not significantly higher than estimated for a pathogenic variant in ATP7B causing Wilson Disease (5.6e-05 vs 0.0054), allowing no conclusion about variant significance. c.1285+5G>T has been reported in the literature in several compound heterozygous individuals affected with Wilson Disease (e.g. Loudianos_1998, Ivanova_2015, Paradisi_2015, Nayagam_2023). These data indicate that the variant is likely to be associated with disease. The following publications have been ascertained in the context of this evaluation (PMID: 25617204, 9671269, 25497208, 36096368). ClinVar contains an entry for this variant (Variation ID: 520762). Based on the evidence outlined above, the variant was classified as likely pathogenic.

Blueprint Genetics
Classification: Likely pathogenic for ATP7B-related disorders. Last evaluated: 2024-11-04. Review status: criteria provided, single submitter. Criteria: ACMG Guidelines, 2015. Collection method: clinical testing. Allele origin: germline. Affected: yes. Observed: 5 variant alleles.